The following is an entry in ClinVar:

NM_005220.3(DLX3):c.*707C>T

Gene: DLX3 (distal-less homeobox 3; minus strand). Cytogenetic location: 17q21.33.
Variant type: single nucleotide variant.
Coding change: c.*707C>T on transcript NM_005220.3 (MANE Select); 707 bases downstream of the stop codon, C replaced by T.
Molecular consequence: 3 prime UTR variant.
Genome position (GRCh38, 1-based): chr17:49,990,810, G>A on the plus strand (C>T on the coding strand, the complement: DLX3 is on the minus strand). VCF-style: chr17-49990810-G-A. GRCh37 (hg19) VCF-style: chr17-48068174-G-A.
Identifiers: ClinVar variation 890605 (VCV000890605.4), dbSNP rs185357085, ClinGen allele CA291505110.

ClinVar aggregate classification (germline): Benign (1 of 4 stars; one submission).

Conditions:
Hypomaturation-hypoplastic amelogenesis imperfecta with taurodontism. Also called: Amelogenesis imperfecta, type IV. Identifiers: Orphanet 100034, Orphanet 88661, MedGen C1863012, MONDO:0007093, OMIM 104510. Disease mechanism: loss of function.

Allele frequency attached by ClinVar (database versions not stated): gnomAD 0.00056 and 0.00072; TOPMed 0.00057; 1000 Genomes Project 30x 0.00265; 1000 Genomes Project 0.00280.

Submission:

Illumina Laboratory Services, Illumina
Classification: Benign for Hypomaturation-hypoplastic amelogenesis imperfecta with taurodontism. Last evaluated: 2018-01-12. Review status: criteria provided, single submitter. Criteria: ICSL Variant Classification Criteria 13 December 2019. Collection method: clinical testing. Allele origin: germline.
Comment: This variant was observed in the ICSL laboratory as part of a predisposition screen in an ostensibly healthy population. It had not been previously curated by ICSL or reported in the Human Gene Mutation Database (HGMD: prior to June 1st, 2018), and was therefore a candidate for classification through an automated scoring system. Utilizing variant allele frequency, disease prevalence and penetrance estimates, and inheritance mode, an automated score was calculated to assess if this variant is too frequent to cause the disease. Based on the score and internal cut-off values, a variant classified as benign is not then subjected to further curation. The score for this variant resulted in a classification of benign for this disease.